The following is an entry in ClinVar:

NM_017882.3(CLN6):c.156_157del (p.Leu53fs)

Gene: CLN6 (CLN6 transmembrane ER protein; minus strand). Cytogenetic location: 15q23.
Variant type: Microsatellite.
Coding change: c.156_157del on transcript NM_017882.3 (MANE Select); coding-DNA positions 156 to 157, 2 bases deleted (AC; older notation c.156_157delAC).
Protein change: p.Leu53fs; shifts the reading frame from leucine 53.
Molecular consequence: frameshift variant.
Genome position (GRCh38, 1-based): chr15:68,218,577-68,218,578, GT deleted on the plus strand (AC on the coding strand, the reverse complement: CLN6 is on the minus strand); deleting any 2 consecutive bases within chr15:68,218,577-68,218,581 gives the same sequence; the c. name uses the placement nearest the transcript's 3' end. VCF-style (leftmost placement, unchanged base first): chr15-68218576-AGT-A. GRCh37 (hg19) VCF-style: chr15-68510914-AGT-A.
Other names: c.252_253del, p.Leu85fs (NM_001411068.1); short protein forms L53fs, L85fs.
Identifiers: ClinVar variation 5014327 (VCV005014327.1).

ClinVar aggregate classification (germline): Pathogenic (1 of 4 stars; one submission).

Conditions:
Neuronal ceroid lipofuscinosis. Also called: Neuronal Ceroid Lipofuscinoses. Identifiers: Orphanet 216, Orphanet 79263, MedGen C0027877, MONDO:0016295. Disease mechanism: loss of function.

Submission:

Myriad Genetics, Inc.
Classification: Pathogenic for Neuronal ceroid lipofuscinosis. Last evaluated: 2025-04-15. Review status: criteria provided, single submitter. Criteria: Myriad Autosomal Dominant, Autosomal Recessive and X-Linked Classification Criteria (2023). Collection method: clinical testing. Allele origin: unknown.
Comment: NM_017882.2(CLN6):c.156_157delAC(L53Afs*78) is expected to be pathogenic in the context of neuronal ceroid lipofuscinosis, CLN6-related. This variant is predicted to lead to an abnormal or absent protein product due to the creation of a premature termination codon in CLN6, a gene where loss-of-function variants are known to be pathogenic. Please note: this variant was assessed in the context of healthy population screening.